The following is an entry in ClinVar:

ClinVar aggregate classification (germline): Uncertain significance (1 of 4 stars; one submission).

Conditions:
Deficiency of acetyl-CoA acetyltransferase. Also called: Beta-ketothiolase deficiency; 3-KETOTHIOLASE DEFICIENCY; 3-OXOTHIOLASE DEFICIENCY; MITOCHONDRIAL ACETOACETYL-CoA THIOLASE DEFICIENCY. Identifiers: Orphanet 134, MedGen C1536500, MONDO:0008760, OMIM 203750. Disease mechanism: loss of function.

Submission:

Myriad Genetics, Inc.
Classification: Uncertain significance for Deficiency of acetyl-CoA acetyltransferase. Last evaluated: 2025-08-18. Review status: criteria provided, single submitter. Criteria: Myriad Autosomal Dominant, Autosomal Recessive and X-Linked Classification Criteria (2023). Collection method: clinical testing. Allele origin: unknown.
Comment: NM_000019.3(ACAT1):c.1282T>C(*428Qext*6) is a stop-loss variant that results in protein elongation classified as a variant of uncertain significance in the context of beta-ketothiolase deficiency. *428Qext*6 has not been observed in cases with relevant disease. Relevant functional assessments of this variant are not available in the literature. *428Qext*6 has not been observed in referenced population frequency databases. In summary, there is insufficient evidence to classify NM_000019.3(ACAT1):c.1282T>C(*428Qext*6) as pathogenic or benign. Please note: this variant was assessed in the context of healthy population screening.

NM_000019.4(ACAT1):c.1282T>C (p.Ter428Gln)

Gene: ACAT1 (acetyl-CoA acetyltransferase 1; plus strand). Cytogenetic location: 11q22.3.
Variant type: single nucleotide variant.
Coding change: c.1282T>C on transcript NM_000019.4 (MANE Select); coding-DNA position 1282, T replaced by C.
Protein change: p.Ter428Gln.
Molecular consequence: stop lost. On other transcripts: non-coding transcript variant (2).
Genome position (GRCh38, 1-based): chr11:108,147,388, T>C. VCF-style: chr11-108147388-T-C. GRCh37 (hg19) VCF-style: chr11-108018115-T-C.
Other names: c.1303T>C, p.Ter435Gln (NM_001386677.1); c.967T>C, p.Ter323Gln (NM_001386678.1); c.985T>C, p.Ter329Gln (NM_001386679.1); c.1012T>C, p.Ter338Gln (NM_001386681.1, NM_001386682.1, NM_001386685.1 and 6 more transcripts).
Identifiers: ClinVar variation 5004125 (VCV005004125.1).